The following is an entry in ClinVar:

NM_015570.4(AUTS2):c.1041G>A (p.Glu347=)

Gene: AUTS2 (activator of transcription and developmental regulator AUTS2; plus strand). Cytogenetic location: 7q11.22.
Variant type: single nucleotide variant.
Coding change: c.1041G>A on transcript NM_015570.4 (MANE Select); coding-DNA position 1041, G replaced by A.
Protein change: p.Glu347=; no amino-acid change (glutamic acid 347 retained).
Molecular consequence: synonymous variant.
Genome position (GRCh38, 1-based): chr7:70,763,168, G>A. VCF-style: chr7-70763168-G-A. GRCh37 (hg19) VCF-style: chr7-70228154-G-A.
Other names: c.1041G>A (NM_015570.3); c.1041G>A, p.Glu347= (NM_001127231.3).
Identifiers: ClinVar variation 2040012 (VCV002040012.14), dbSNP rs151096425, ClinGen allele CA4280541.

ClinVar aggregate classification (germline): Benign/Likely benign. Review status: criteria provided, multiple submitters, no conflicts (2 of 4 stars). 3 submissions from 3 submitters: Benign (1); Likely benign (1). 1 of the submissions does not count toward it. Last evaluated 2025-06-01.

Conditions:
AUTS2-related disorder. Also called: AUTS2-related condition.

Allele frequency attached by ClinVar (database versions not stated): TOPMed 0.00004; gnomAD 0.00005; ESP Exome Variant Server 0.00008; gnomAD exomes 0.00014; ExAC 0.00027.
gnomAD v4.1: 219 of 1,613,816 alleles (0.014%); highest among the groups gnomAD compares: Non-Finnish European, 0.016%; 1 homozygote.

Submissions (3):

CeGaT Center for Human Genetics Tuebingen
Classification: Likely benign. Last evaluated: 2025-06-01. Review status: criteria provided, single submitter. Criteria: CeGaT Center For Human Genetics Tuebingen Variant Classification Criteria Version 2. Collection method: clinical testing. Allele origin: germline. Affected: yes. Observed: 1 variant allele.
Comment: AUTS2: BP4, BP7

Labcorp Genetics (formerly Invitae), Labcorp
Classification: Benign. Last evaluated: 2025-02-13. Review status: criteria provided, single submitter. Criteria: Invitae Variant Classification Sherloc (09022015). Collection method: clinical testing. Allele origin: germline.

PreventionGenetics, part of Exact Sciences
Classification: Likely benign for AUTS2-related condition. Last evaluated: 2022-01-12. Review status: no assertion criteria provided. Collection method: clinical testing. Allele origin: germline. Not counted in ClinVar's aggregate classification.
Comment: This variant is classified as likely benign based on ACMG/AMP sequence variant interpretation guidelines (Richards et al. 2015 PMID: 25741868, with internal and published modifications).